The following is an entry in ClinVar:

ClinVar aggregate classification (germline): Uncertain significance. Review status: criteria provided, multiple submitters, no conflicts (2 of 4 stars). 2 submissions from 2 submitters: Uncertain significance (2). Last evaluated 2024-09-16.

Conditions:
Congenital myasthenic syndrome 2A. Also called: Myasthenic syndrome, congenital, 2a, slow-channel. Identifiers: Orphanet 590, MedGen C4225374, MONDO:0014581, OMIM 616313.

Submissions (2):

Labcorp Genetics (formerly Invitae), Labcorp
Classification: Uncertain significance for Congenital myasthenic syndrome 2A. Last evaluated: 2024-09-16. Review status: criteria provided, single submitter. Criteria: Invitae Variant Classification Sherloc (09022015). Collection method: clinical testing. Allele origin: germline.
Comment: This variant, c.115_117del, results in the deletion of 1 amino acid(s) of the CHRNB1 protein (p.Asp39del), but otherwise preserves the integrity of the reading frame. This variant is present in population databases (rs777431654, gnomAD 0.01%). This variant has not been reported in the literature in individuals affected with CHRNB1-related conditions. ClinVar contains an entry for this variant (Variation ID: 595606). Experimental studies and prediction algorithms are not available or were not evaluated, and the functional significance of this variant is currently unknown. In summary, the available evidence is currently insufficient to determine the role of this variant in disease. Therefore, it has been classified as a Variant of Uncertain Significance.

Eurofins Ntd Llc (ga)
Classification: Uncertain significance. Last evaluated: 2018-01-23. Review status: criteria provided, single submitter. Criteria: EGL Classification Definitions 2015. Collection method: clinical testing. Allele origin: germline. Observed: 1 variant allele, 1 heterozygote.

NM_000747.3(CHRNB1):c.115_117del (p.Asp39del)

Gene: CHRNB1 (cholinergic receptor nicotinic beta 1 subunit; plus strand). Cytogenetic location: 17p13.1.
Variant type: Deletion.
Coding change: c.115_117del on transcript NM_000747.3 (MANE Select); coding-DNA positions 115 to 117, 3 bases deleted (GAT; older notation c.115_117delGAT).
Protein change: p.Asp39del; deletes aspartic acid 39.
Molecular consequence: inframe deletion.
Genome position (GRCh38, 1-based): chr17:7,445,326-7,445,328, GAT deleted; deleting any 3 consecutive bases within chr17:7,445,324-7,445,328 gives the same sequence; the c. name uses the placement nearest the transcript's 3' end. VCF-style (leftmost placement, unchanged base first): chr17-7445323-TATG-T. GRCh37 (hg19) VCF-style: chr17-7348642-TATG-T.
Other names: short protein forms D39del.
Identifiers: ClinVar variation 595606 (VCV000595606.8), dbSNP rs777431654, ClinGen allele CA8347638.